The following is an entry in ClinVar:

ClinVar aggregate classification (germline): Benign/Likely benign. Review status: criteria provided, multiple submitters, no conflicts (2 of 4 stars). 5 submissions from 5 submitters: Benign (2); Likely benign (1). 2 of the submissions do not count toward it. Last evaluated 2026-01-21.

Conditions:
Adenylosuccinate lyase deficiency (ADSLD). Also called: ADSL DEFICIENCY. Identifiers: Orphanet 46, MedGen C0268126, MONDO:0007068, OMIM 103050.

Allele frequency attached by ClinVar (database versions not stated): 1000 Genomes Project 30x 0.00031; 1000 Genomes Project 0.00040; gnomAD exomes 0.00130 and 0.00230; ExAC 0.00138; TOPMed 0.00141; gnomAD 0.00157 and 0.00168; ESP Exome Variant Server 0.00208.
gnomAD v4.1: 3,522 of 1,611,178 alleles (0.22%); highest among the groups gnomAD compares: Non-Finnish European, 0.28%; 3 homozygotes.

Submissions (5):

Labcorp Genetics (formerly Invitae), Labcorp
Classification: Benign for Adenylosuccinate lyase deficiency. Last evaluated: 2026-01-21. Review status: criteria provided, single submitter. Criteria: Invitae Variant Classification Sherloc (09022015). Collection method: clinical testing. Allele origin: germline.

Blueprint Genetics
Classification: Likely benign. Last evaluated: 2024-11-20. Review status: criteria provided, single submitter. Criteria: ACMG Guidelines, 2015. Collection method: clinical testing. Allele origin: germline.

GeneDx
Classification: Benign. Last evaluated: 2013-05-10. Review status: criteria provided, single submitter. Criteria: GeneDx Variant Classification (06012015). Collection method: clinical testing. Allele origin: germline. Affected: yes.
Comment: This variant is considered likely benign or benign based on one or more of the following criteria: it is a conservative change, it occurs at a poorly conserved position in the protein, it is predicted to be benign by multiple in silico algorithms, and/or has population frequency not consistent with disease.

Clinical Genetics, Academic Medical Center
Classification: Benign. Review status: no assertion criteria provided. Collection method: clinical testing. Allele origin: germline. Affected: yes. Study: VKGL Data-share Consensus. Not counted in ClinVar's aggregate classification.

Genome Diagnostics Laboratory, University Medical Center Utrecht
Classification: Likely benign. Review status: no assertion criteria provided. Collection method: clinical testing. Allele origin: germline. Affected: yes. Study: VKGL Data-share Consensus. Not counted in ClinVar's aggregate classification.

NM_000026.4(ADSL):c.1010+18A>G

Gene: ADSL (adenylosuccinate lyase; plus strand). Cytogenetic location: 22q13.1.
Variant type: single nucleotide variant.
Coding change: c.1010+18A>G on transcript NM_000026.4 (MANE Select); 18 bases into the intron after coding-DNA position 1010, A replaced by G.
Molecular consequence: intron variant. On other transcripts: non-coding transcript variant (1).
Genome position (GRCh38, 1-based): chr22:40,361,653, A>G. VCF-style: chr22-40361653-A-G. GRCh37 (hg19) VCF-style: chr22-40757657-A-G.
Other names: c.1010+18A>G (NM_001363840.3, NM_001123378.3); c.818+18A>G (NM_001317923.2).
Identifiers: ClinVar variation 136306 (VCV000136306.12), dbSNP rs201019280, ClinGen allele CA289315.